The following is an entry in ClinVar:

ClinVar aggregate classification (germline): Uncertain significance (1 of 4 stars; one submission).

Conditions:
Mendelian susceptibility to mycobacterial diseases due to complete IL12RB1 deficiency. Also called: IL12RB1 DEFICIENCY; Immunodeficiency 30. Identifiers: Orphanet 319552, MedGen C4013949, MONDO:0013955, OMIM 614891.

Allele frequency attached by ClinVar (database versions not stated): gnomAD 0.00001; TOPMed 0.00001; ExAC 0.00006.
gnomAD v4.1: 20 of 1,573,610 alleles (0.0013%); highest among the groups gnomAD compares: Admixed American, 0.0037%; no homozygotes.

Submission:

Neuberg Centre For Genomic Medicine, NCGM
Classification: Uncertain significance for Mendelian susceptibility to mycobacterial diseases due to complete IL12RB1 deficiency. Review status: criteria provided, single submitter. Criteria: ACMG Guidelines, 2015. Collection method: clinical testing. Allele origin: germline. Inheritance: Autosomal recessive inheritance. Affected: yes.
Comment: The missense variant in c.44G>A (p.Arg15Gln) in IL12RB1 gene has not been reported previously as a pathogenic variant nor as a benign variant, to our knowledge. The p.Arg15Gln variant is reported with the allele frequency of 0.001631% in gnomAD database and is novel (not in any individuals) in 1000 Genomes. The amino acid Arg at position 15 is changed to a Gln changing protein sequence and it might alter its composition and physico-chemical properties. For these reasons, this variant has been classified as Uncertain Significance. In the absence of another reportable variant the molecular diagnosis is not confirmed.

NM_005535.3(IL12RB1):c.-77G>A

Genes: IL12RB1 (interleukin 12 receptor subunit beta 1; minus strand), LOC130063972 (ATAC-STARR-seq lymphoblastoid active region 14295; plus strand). Cytogenetic location: 19p13.11.
Variant type: single nucleotide variant.
Coding change: c.-77G>A on transcript NM_005535.3 (MANE Select); 77 bases upstream of the start codon, G replaced by A.
Molecular consequence: 5 prime UTR variant. On other transcripts: missense variant (1).
Genome position (GRCh38, 1-based): chr19:18,086,900, C>T on the plus strand (G>A on the coding strand, the complement: IL12RB1 is on the minus strand). VCF-style: chr19-18086900-C-T. GRCh37 (hg19) VCF-style: chr19-18197710-C-T.
Other names: c.-77G>A (NM_001290023.2, NM_153701.3); c.44G>A, p.Arg15Gln (NM_001290024.2); short protein forms R15Q.
Identifiers: ClinVar variation 2585409 (VCV002585409.1), dbSNP rs769249845, ClinGen allele CA9305416.